The following is an entry in ClinVar:

NM_007294.4(BRCA1):c.261G>T (p.Leu87Phe)

Gene: BRCA1 (BRCA1 DNA repair associated; minus strand). Cytogenetic location: 17q21.31.
Variant type: single nucleotide variant.
Coding change: c.261G>T on transcript NM_007294.4 (MANE Select); coding-DNA position 261, G replaced by T.
Protein change: p.Leu87Phe; replaces leucine 87 with phenylalanine.
Molecular consequence: missense variant. On other transcripts: non-coding transcript variant (1).
Genome position (GRCh38, 1-based): chr17:43,104,908, C>A on the plus strand (G>T on the coding strand, the complement: BRCA1 is on the minus strand). VCF-style: chr17-43104908-C-A. GRCh37 (hg19) VCF-style: chr17-41256925-C-A.
Other names: c.261G>T, p.Leu87Phe (NM_001407979.1, NM_001407980.1, NM_001407981.1 and 168 more transcripts); c.183G>T, p.Leu61Phe (NM_001408409.1, NM_001408411.1, NM_001408412.1 and 21 more transcripts); c.120G>T, p.Leu40Phe (NM_001408410.1, NM_001408452.1, NM_001408453.1 and 99 more transcripts); c.129G>T, p.Leu43Phe (NM_001408451.1); c.51G>T, p.Leu17Phe (NM_001408478.1, NM_001408479.1, NM_001408480.1 and 58 more transcripts); c.-121G>T (NM_001407959.1, NM_001407960.1, NM_001407962.1 and 4 more transcripts); short protein forms L40F, L87F, L17F, L61F, L43F.
Identifiers: ClinVar variation 868324 (VCV000868324.3), dbSNP rs757971617, ClinGen allele CA10601634.

Conditions:
Breast-ovarian cancer, familial, susceptibility to, 1 (BROVCA1). Also called: BRCA1 Hereditary Breast and Ovarian Cancer; OVARIAN CANCER, SUSCEPTIBILITY TO. Identifiers: Orphanet 145, MedGen C2676676, MONDO:0011450, OMIM 604370. Disease mechanism: loss of function.

Submission:

Brotman Baty Institute, University of Washington
No classification provided (evidence only). Condition: Breast-ovarian cancer, familial 1. Review status: no classification provided. Collection method: in vitro. Allele origin: not applicable. Functional consequence: functionally_abnormal.
ClinVar note: "not provided" was previously submitted as the classification for the variant. However, the classification appeared to be based only on an observation of functional data so it was converted to no classification on 2025-07-30.